The following is an entry in ClinVar:

ClinVar aggregate classification (germline): Benign (1 of 4 stars; one submission).

Allele frequency attached by ClinVar (database versions not stated): 1000 Genomes Project 0.00120; 1000 Genomes Project 30x 0.00156; gnomAD exomes 0.00160; gnomAD 0.00164; ESP Exome Variant Server 0.00169; TOPMed 0.00173; ExAC 0.00217.
gnomAD v4.1: 2,727 of 1,613,812 alleles (0.17%); highest among the groups gnomAD compares: South Asian, 0.14%; 15 homozygotes.

Submission:

CeGaT Center for Human Genetics Tuebingen
Classification: Benign. Last evaluated: 2025-03-01. Review status: criteria provided, single submitter. Criteria: CeGaT Center For Human Genetics Tuebingen Variant Classification Criteria Version 2. Collection method: clinical testing. Allele origin: germline. Affected: yes. Observed: 2 variant alleles.
Comment: PLEKHG4: BP4, BS1, BS2

NM_001129729.3(PLEKHG4):c.2914C>T (p.Arg972Cys)

Gene: PLEKHG4 (pleckstrin homology and RhoGEF domain containing G4; plus strand). Cytogenetic location: 16q22.1.
Variant type: single nucleotide variant.
Coding change: c.2914C>T on transcript NM_001129729.3 (MANE Select); coding-DNA position 2914, C replaced by T.
Protein change: p.Arg972Cys; replaces arginine 972 with cysteine.
Molecular consequence: missense variant.
Genome position (GRCh38, 1-based): chr16:67,286,908, C>T. VCF-style: chr16-67286908-C-T. GRCh37 (hg19) VCF-style: chr16-67320811-C-T.
Other names: c.2914C>T, p.Arg972Cys (NM_001129727.3, NM_001129728.2); c.2671C>T, p.Arg891Cys (NM_001129731.3); short protein forms R891C, R972C.
Identifiers: ClinVar variation 2646621 (VCV002646621.24), dbSNP rs80024062, ClinGen allele CA8108219.